The following is an entry in ClinVar:

ClinVar aggregate classification (germline): Uncertain significance. Review status: criteria provided, multiple submitters, no conflicts (2 of 4 stars). 2 submissions from 2 submitters: Uncertain significance (2). Last evaluated 2025-10-24.

Conditions:
Cardiovascular phenotype. Identifiers: MedGen CN230736.

Submissions (2):

Labcorp Genetics (formerly Invitae), Labcorp
Classification: Uncertain significance. Last evaluated: 2025-10-24. Review status: criteria provided, single submitter. Criteria: Invitae Variant Classification Sherloc (09022015). Collection method: clinical testing. Allele origin: germline.
Comment: This sequence change replaces aspartic acid, which is acidic and polar, with histidine, which is basic and polar, at codon 355 of the ABCG8 protein (p.Asp355His). This variant is not present in population databases (gnomAD no frequency). This variant has not been reported in the literature in individuals affected with ABCG8-related conditions. ClinVar contains an entry for this variant (Variation ID: 3421466). Invitae Evidence Modeling of protein sequence and biophysical properties (such as structural, functional, and spatial information, amino acid conservation, physicochemical variation, residue mobility, and thermodynamic stability) indicates that this missense variant is not expected to disrupt ABCG8 protein function with a negative predictive value of 80%. In summary, the available evidence is currently insufficient to determine the role of this variant in disease. Therefore, it has been classified as a Variant of Uncertain Significance.

Ambry Genetics
Classification: Uncertain significance for Cardiovascular phenotype. Last evaluated: 2024-12-04. Review status: criteria provided, single submitter. Criteria: Ambry Variant Classification Scheme 2023. Collection method: clinical testing. Allele origin: germline.

NM_022437.3(ABCG8):c.1063G>C (p.Asp355His)

Gene: ABCG8 (ATP binding cassette subfamily G member 8; plus strand). Cytogenetic location: 2p21.
Variant type: single nucleotide variant.
Coding change: c.1063G>C on transcript NM_022437.3 (MANE Select); coding-DNA position 1063, G replaced by C.
Protein change: p.Asp355His; replaces aspartic acid 355 with histidine.
Molecular consequence: missense variant.
Genome position (GRCh38, 1-based): chr2:43,872,074, G>C. VCF-style: chr2-43872074-G-C. GRCh37 (hg19) VCF-style: chr2-44099213-G-C.
Other names: c.1063G>C, p.Asp355His (NM_001357321.2); short protein forms D355H.
Identifiers: ClinVar variation 3421466 (VCV003421466.2).